The following is an entry in ClinVar:

ClinVar aggregate classification (germline): Conflicting classifications of pathogenicity. Review status: criteria provided, conflicting classifications (1 of 4 stars). 3 submissions from 2 submitters: Pathogenic (1); Uncertain significance (2). Last evaluated 2016-01-01.

Conditions:
Acute intermittent porphyria (AIP). Also called: Acute Porphyria; Acute Intermittent Porphyria (AIP); Acute intermittent porphyria (autosomal dominant); PBGD DEFICIENCY; PORPHOBILINOGEN DEAMINASE DEFICIENCY; PORPHYRIA, SWEDISH TYPE. Identifiers: Orphanet 79276, MedGen C0162565, MONDO:0008294, OMIM 176000.
Global developmental delay (DD). Also called: Cognitive delay. Identifiers: MedGen C0557874, HP:0001263. Disease mechanism: loss of function.
Brain atrophy. Identifiers: MedGen C4551584, HP:0012444.
Central hypoventilation. Identifiers: MedGen C3805839, HP:0007110.
Neurodegeneration. Also called: Neurodegenerative disease; neurodegenerative disorder; Neurodegenerative illness. Identifiers: MedGen C0027746, MONDO:0005559, HP:0002180.
Progressive microcephaly. Identifiers: MedGen C1850456, HP:0000253.
Optic atrophy 9 (OPA9). Identifiers: MedGen C4225384, MONDO:0014571, OMIM 616289.

Allele frequency attached by ClinVar (database versions not stated): gnomAD exomes below 0.00001; TOPMed below 0.00001; gnomAD 0.00001.
gnomAD v4.1: 5 of 1,613,720 alleles (0.00031%); highest among the groups gnomAD compares: African/African-American, 0.0013%; no homozygotes.

Submissions (3):

Centre for Mendelian Genomics, University Medical Centre Ljubljana
Classification: Uncertain significance for Optic atrophy 9. Last evaluated: 2016-01-01. Review status: criteria provided, single submitter. Criteria: ACMG Guidelines, 2015. Collection method: clinical testing. Allele origin: unknown. Affected: yes.
Comment: This variant was classified as: Uncertain significance.

Centre for Mendelian Genomics, University Medical Centre Ljubljana
Classification: Uncertain significance for Brain atrophy; Central hypoventilation; Global developmental delay; Neurodegeneration; Progressive microcephaly. Last evaluated: 2015-10-06. Review status: criteria provided, single submitter. Criteria: ACMG Guidelines, 2015. Collection method: clinical testing. Allele origin: unknown. Affected: yes.

Neuberg Centre For Genomic Medicine, NCGM
Classification: Pathogenic for Acute intermittent porphyria. Review status: criteria provided, single submitter. Criteria: ACMG Guidelines, 2015. Collection method: clinical testing. Allele origin: germline. Inheritance: Autosomal dominant inheritance. Affected: yes.
Comment: The missense variant p.R26C in HMBS (NM_000190.4) has been reported previously in multiple affected patients (Dragneva S et al, Méndez M et al). Functional studies reveal a damaging effect (Mustajoki S et al, Ulbrichova D et al). The variant has been submitted to ClinVar as Pathogenic. The missense variant c.76C>T (p.R26C) in HMBS (NM_000190.4) is observed in 1/34592 (0.0029%) alleles from individuals of Latino background in the gnomAD dataset (Exome Aggregation Consortium et al., 2016), but was not seen in the homozygous state. For these reasons, this variant has been classified as Pathogenic.

NM_001098.3(ACO2):c.76C>T (p.Leu26=)

Gene: ACO2 (aconitase 2; plus strand). Cytogenetic location: 22q13.2.
Variant type: single nucleotide variant.
Coding change: c.76C>T on transcript NM_001098.3 (MANE Select); coding-DNA position 76, C replaced by T.
Protein change: p.Leu26=; no amino-acid change (leucine 26 retained).
Molecular consequence: synonymous variant.
Genome position (GRCh38, 1-based): chr22:41,499,765, C>T. VCF-style: chr22-41499765-C-T. GRCh37 (hg19) VCF-style: chr22-41895769-C-T.
Identifiers: ClinVar variation 374008 (VCV000374008.4), dbSNP rs1057518832, ClinGen allele CA16043573.
Genomic context (GRCh38, chr22:41,499,765, plus strand): 5'-CTGTCATGTTTCTTCTTGCAGAAAGCTCTGGGTGTGCGGCAGTACCATGTGGCCTCAGTC[C>T]TGTGCCAACGGGCCAAGGTGGCGATGAGCCACTTTGAGCCCAACGAGTACATCCATTATG-3'
Protein context (NP_001089.1, residues 16-36): GVRQYHVASV[Leu26=]CQRAKVAMSH